The following is an entry in ClinVar:

NM_000088.4(COL1A1):c.733G>T (p.Gly245Trp)

Genes: COL1A1 (collagen type I alpha 1 chain; minus strand), LOC126862586 (CDK7 strongly-dependent group 2 enhancer GRCh37_chr17:48273702-48274901; plus strand). Cytogenetic location: 17q21.33.
Variant type: single nucleotide variant.
Coding change: c.733G>T on transcript NM_000088.4 (MANE Select); coding-DNA position 733, G replaced by T.
Protein change: p.Gly245Trp; replaces glycine 245 with tryptophan.
Molecular consequence: missense variant.
Genome position (GRCh38, 1-based): chr17:50,197,197, C>A on the plus strand (G>T on the coding strand, the complement: COL1A1 is on the minus strand). VCF-style: chr17-50197197-C-A. GRCh37 (hg19) VCF-style: chr17-48274558-C-A.
Other names: short protein forms G245W.
Identifiers: ClinVar variation 691325 (VCV000691325.4), dbSNP rs1598299275, ClinGen allele CA400224176.

ClinVar aggregate classification (germline): Likely pathogenic. Review status: criteria provided, multiple submitters, no conflicts (2 of 4 stars). 2 submissions from 2 submitters: Likely pathogenic (2). Last evaluated 2025-06-18.

Conditions:
Osteogenesis imperfecta (OI). Identifiers: Orphanet 666, MedGen C0029434, MeSH D010013, MONDO:0019019.
Osteogenesis imperfecta type III (OI3). Also called: Osteogenesis imperfecta type 3; OI type 3; Osteogenesis imperfecta, progressively deforming with normal sclerae; OI type III; Progressively Deforming Osteogenesis Imperfecta. Identifiers: Orphanet 216812, Orphanet 666, MedGen C0268362, MONDO:0009804, OMIM 259420.

Submissions (2):

Clinical Biomedical Laboratory, Shriners Hospital For Children - Canada
Classification: Likely pathogenic for Osteogenesis imperfecta type III. Last evaluated: 2025-06-18. Review status: criteria provided, single submitter. Criteria: ACMG Guidelines, 2015. Collection method: clinical testing. Allele origin: germline. Affected: yes.
Comment: This variant changes a glycine residue in the triple-helical domain of the collagen type I alpha 1 chain to a tryptophan residue. Glycine substitutions in the triple-helicl domain of collagen type I alpha chains are a typical cause of osteogenesis imperfecta. The variant is not present in the gnomAD database and is predicted to be damaging to protein function by several prediction algorithms (Revel 0.97). The variant has been reported as a cause of osteogenesis imperfecta in the literature (PMID 35748117).

Genetics Department, Polish Mother's Memorial Hospital Research Institute
Classification: Likely pathogenic for Osteogenesis imperfecta. Last evaluated: 2019-07-11. Review status: criteria provided, single submitter. Criteria: ACMG Guidelines, 2015. Collection method: research. Allele origin: unknown. Affected: yes. Observed: 1 variant allele.

Literature cited by the submitters: PubMed 35748117 (cited by Clinical Biomedical Laboratory, Shriners Hospital For Children - Canada).